The following is an entry in ClinVar:

NM_031263.4(HNRNPK):c.1008+1G>A

Gene: HNRNPK (heterogeneous nuclear ribonucleoprotein K; minus strand). Cytogenetic location: 9q21.32.
Variant type: single nucleotide variant.
Coding change: c.1008+1G>A on transcript NM_031263.4 (MANE Select); the canonical splice donor site of the intron after coding-DNA position 1008, G replaced by A.
Molecular consequence: splice donor variant.
Genome position (GRCh38, 1-based): chr9:83,971,671, C>T on the plus strand (G>A on the coding strand, the complement: HNRNPK is on the minus strand). VCF-style: chr9-83971671-C-T. GRCh37 (hg19) VCF-style: chr9-86586586-C-T.
Other names: c.1008+1G>A (NM_031262.4, NM_002140.5, NM_001318188.2); c.936+1G>A (NM_001318186.2, NM_001318187.2).
Identifiers: ClinVar variation 449308 (VCV000449308.3), dbSNP rs1554698658, ClinGen allele CA373922214.

ClinVar aggregate classification (germline): Pathogenic. Review status: criteria provided, multiple submitters, no conflicts (2 of 4 stars). 2 submissions from 2 submitters: Pathogenic (2). Last evaluated 2019-07-16.

Conditions:
Au-Kline syndrome. Also called: Okamoto syndrome; Neurodevelopmental disorder-craniofacial dysmorphism-cardiac defect-hip dysplasia syndrome due to a point mutation. Identifiers: Orphanet 2729, Orphanet 453499, Orphanet 453504, MedGen C4225274, MONDO:0014700, OMIM 616580.

Submissions (2):

GeneDx
Classification: Pathogenic. Last evaluated: 2019-07-16. Review status: criteria provided, single submitter. Criteria: GeneDx Variant Classification Process June 2021. Collection method: clinical testing. Allele origin: germline. Affected: yes.
Comment: Canonical splice site variant in a gene for which loss-of-function is a known mechanism of disease; Not observed in large population cohorts (Lek et al., 2016); This variant is associated with the following publications: (PMID: 29904177)

Clinical Genetics Research Group, University of Calgary
Classification: Pathogenic for AU-KLINE SYNDROME. Last evaluated: 2018-01-07. Review status: criteria provided, single submitter. Criteria: ACMG Guidelines, 2015. Collection method: clinical testing. Allele origin: de novo. Affected: yes. Observed: 1 variant allele.